The following is an entry in ClinVar:

ClinVar aggregate classification (germline): Uncertain significance. Review status: criteria provided, multiple submitters, no conflicts (2 of 4 stars). 4 submissions from 4 submitters: Uncertain significance (4). Last evaluated 2025-12-24.

Conditions:
Cardiovascular phenotype. Identifiers: MedGen CN230736.
Marfan syndrome (MFS). Also called: MARFAN SYNDROME, TYPE I; FBN1-Related Marfan Syndrome; Marfan syndrome, classic; Marfan syndrome type 1; Marfan's syndrome. Identifiers: Orphanet 284963, Orphanet 558, MedGen C0024796, MONDO:0007947, OMIM 154700.
Familial thoracic aortic aneurysm and aortic dissection (TAAD). Also called: Thoracic aortic aneurysms and dissections. Identifiers: Orphanet 91387, MedGen C4707243, MONDO:0019625.

Allele frequency attached by ClinVar (database versions not stated): gnomAD exomes below 0.00001 and 0.00001; TOPMed below 0.00001; ExAC 0.00001.
gnomAD v4.1: 5 of 1,614,224 alleles (0.00031%); highest among the groups gnomAD compares: Non-Finnish European, 0.00042%; no homozygotes.

Submissions (4):

Labcorp Genetics (formerly Invitae), Labcorp
Classification: Uncertain significance for Marfan syndrome; Familial thoracic aortic aneurysm and aortic dissection. Last evaluated: 2025-12-24. Review status: criteria provided, single submitter. Criteria: Invitae Variant Classification Sherloc (09022015). Collection method: clinical testing. Allele origin: germline.
Comment: This sequence change replaces asparagine, which is neutral and polar, with serine, which is neutral and polar, at codon 2650 of the FBN1 protein (p.Asn2650Ser). This variant is present in population databases (rs756819682, gnomAD 0.002%). This missense change has been observed in individual(s) with a FBN1-related disease (PMID: 25652356). ClinVar contains an entry for this variant (Variation ID: 263693). Invitae Evidence Modeling of protein sequence and biophysical properties (such as structural, functional, and spatial information, amino acid conservation, physicochemical variation, residue mobility, and thermodynamic stability) has been performed for this missense variant. However, the output from this modeling did not meet the statistical confidence thresholds required to predict the impact of this variant on FBN1 protein function. In summary, the available evidence is currently insufficient to determine the role of this variant in disease. Therefore, it has been classified as a Variant of Uncertain Significance.

Ambry Genetics
Classification: Uncertain significance for Familial thoracic aortic aneurysm and aortic dissection. Last evaluated: 2025-10-14. Review status: criteria provided, single submitter. Criteria: Ambry Variant Classification Scheme 2023. Collection method: clinical testing. Allele origin: germline.
Comment: The p.N2650S variant (also known as c.7949A>G), located in coding exon 63 of the FBN1 gene, results from an A to G substitution at nucleotide position 7949. The asparagine at codon 2650 is replaced by serine, an amino acid with highly similar properties. This variant was reported in a Marfan syndrome cohort in one individual with skeletal features but who did not meet revised Ghent criteria (Baudhuin LM et al. J. Hum. Genet., 2015 May;60:241-52). This variant alters a conserved residue in the calcium-binding consensus sequence of a cbEGF domain and is expected to disrupt FBN1 function (Handford PA et al. Nature. 1991; 351(6322):164-7). This amino acid position is highly conserved in available vertebrate species. In addition, the in silico prediction for this alteration is inconclusive. Based on the available evidence, the clinical significance of this variant remains unclear.

Molecular Diagnostic Laboratory for Inherited Cardiovascular Disease, Montreal Heart Institute
Classification: Uncertain significance for Cardiovascular phenotype. Last evaluated: 2025-04-09. Review status: criteria provided, single submitter. Criteria: ACMG Guidelines, 2015. Collection method: clinical testing. Allele origin: germline. Affected: yes.
Comment: PM2, PP2

GeneDx
Classification: Uncertain significance. Last evaluated: 2022-05-11. Review status: criteria provided, single submitter. Criteria: GeneDx Variant Classification Process June 2021. Collection method: clinical testing. Allele origin: germline. Affected: yes.
Comment: Identified in a cohort of patients with suspected or confirmed diagnosis of Marfan syndrome, however, this patient reportedly had only skeletal features and did not meet Ghent criteria (Baudhuin et al., 2015); Not observed at significant frequency in large population cohorts (gnomAD); In silico analysis supports that this missense variant does not alter protein structure/function; This variant is associated with the following publications: (PMID: 20591885, 25652356)

Literature cited by the submitters: PubMed 25652356 (cited by Labcorp Genetics (formerly Invitae), Labcorp and Ambry Genetics).

NM_000138.5(FBN1):c.7949A>G (p.Asn2650Ser)

Gene: FBN1 (fibrillin 1; minus strand). Cytogenetic location: 15q21.1.
Variant type: single nucleotide variant.
Coding change: c.7949A>G on transcript NM_000138.5 (MANE Select); coding-DNA position 7949, A replaced by G.
Protein change: p.Asn2650Ser; replaces asparagine 2650 with serine.
Molecular consequence: missense variant.
Genome position (GRCh38, 1-based): chr15:48,415,638, T>C on the plus strand (A>G on the coding strand, the complement: FBN1 is on the minus strand). VCF-style: chr15-48415638-T-C. GRCh37 (hg19) VCF-style: chr15-48707835-T-C.
Other names: short protein forms N2650S.
Identifiers: ClinVar variation 263693 (VCV000263693.13), dbSNP rs756819682, ClinGen allele CA059356.
Genomic context (GRCh38, chr15:48,415,638, plus strand): 5'-TAACCGCCCTCGGTATTGGAACAGCCATAGCTGCAGGGGGCCTGCGCAGAGCCACATTCA[T>C]TGATGTCTTGGCATCCTCCACTGAACTGTTCATACTGGAAGCCGGCGGGACACATGCACT-3'
Protein context (NP_000129.3, residues 2640-2660): EQFSGGCQDI[Asn2650Ser]ECGSAQAPCS